The following is an entry in ClinVar:

NM_001365276.2(TNXB):c.866G>A (p.Arg289His)

Gene: TNXB (tenascin XB; minus strand). Cytogenetic location: 6p21.33.
Variant type: single nucleotide variant.
Coding change: c.866G>A on transcript NM_001365276.2 (MANE Select); coding-DNA position 866, G replaced by A.
Protein change: p.Arg289His; replaces arginine 289 with histidine.
Molecular consequence: missense variant.
Genome position (GRCh38, 1-based): chr6:32,096,987, C>T on the plus strand (G>A on the coding strand, the complement: TNXB is on the minus strand). VCF-style: chr6-32096987-C-T. GRCh37 (hg19) VCF-style: chr6-32064764-C-T.
Other names: c.866G>A, p.Arg289His (NM_019105.8); short protein forms R289H.
Identifiers: ClinVar variation 2136089 (VCV002136089.1), dbSNP rs1478555641, ClinGen allele CA363485008.
Genomic context (GRCh38, chr6:32,096,987, plus strand): 5'-CTCACCCCACAGTCCTCGCCAGTGTAGCCGGGGTTACACACGCAGCGCCCATTCTCACAG[C>T]GCCCCCTCTGACTGCAACCGCGAGGGCAGCTCCTCATGCCACAGTCGTCACCAGTGTAGC-3'
Protein context (NP_001352205.1, residues 279-299): SCPRGCSQRG[Arg289His]CENGRCVCNP

ClinVar aggregate classification (germline): Uncertain significance (1 of 4 stars; one submission).

Allele frequency attached by ClinVar (database versions not stated): gnomAD 0.00001.

Submission:

GeneDx
Classification: Uncertain significance. Last evaluated: 2022-07-21. Review status: criteria provided, single submitter. Criteria: GeneDx Variant Classification Process June 2021. Collection method: clinical testing. Allele origin: germline. Affected: yes.
Comment: Not observed at significant frequency in large population cohorts (gnomAD); In silico analysis supports that this missense variant has a deleterious effect on protein structure/function; Has not been previously published as pathogenic or benign to our knowledge